The following is an entry in ClinVar:

ClinVar aggregate classification (germline): Conflicting classifications of pathogenicity. Review status: criteria provided, conflicting classifications (1 of 4 stars). 5 submissions from 5 submitters: Uncertain significance (1); Benign (2); Likely benign (2). Last evaluated 2025-12-27.

Conditions:
TSC2-related disorder. Also called: TSC2-Related Disorders; TSC2-related condition.
Hereditary cancer-predisposing syndrome. Also called: Tumor predisposition; Hereditary neoplastic syndrome; Neoplastic Syndromes, Hereditary; Hereditary Cancer Syndrome. Identifiers: Orphanet 140162, MedGen C0027672, MeSH D009386, MONDO:0015356.
Tuberous sclerosis 2 (TSC2). Identifiers: Orphanet 805, MedGen C1860707, MONDO:0013199, OMIM 613254.

Allele frequency attached by ClinVar (database versions not stated): gnomAD exomes 0.00001; ExAC 0.00002; gnomAD 0.00002 and 0.00003; TOPMed 0.00003.
gnomAD v4.1: 16 of 1,613,496 alleles (0.00099%); highest among the groups gnomAD compares: Non-Finnish European, 0.0014%; no homozygotes.

Submissions (5):

Labcorp Genetics (formerly Invitae), Labcorp
Classification: Benign for Tuberous sclerosis 2. Last evaluated: 2025-12-27. Review status: criteria provided, single submitter. Criteria: Invitae Variant Classification Sherloc (09022015). Collection method: clinical testing. Allele origin: germline.

PreventionGenetics, part of Exact Sciences
Classification: Likely benign for TSC2-related condition. Last evaluated: 2025-09-04. Review status: criteria provided, single submitter. Criteria: ACMG Guidelines, 2015. Collection method: clinical testing. Allele origin: germline.
Comment: This variant is classified as likely benign based on ACMG/AMP sequence variant interpretation guidelines (Richards et al. 2015 PMID: 25741868, with internal and published modifications).

GeneDx
Classification: Uncertain significance. Last evaluated: 2023-10-16. Review status: criteria provided, single submitter. Criteria: GeneDx Variant Classification Process June 2021. Collection method: clinical testing. Allele origin: germline.
Comment: In silico analysis supports that this missense variant has a deleterious effect on protein structure/function; Has not been previously published as pathogenic or benign to our knowledge; This variant is associated with the following publications: (PMID: 23514105)

Ambry Genetics
Classification: Benign for Hereditary cancer-predisposing syndrome. Last evaluated: 2022-10-18. Review status: criteria provided, single submitter. Criteria: Ambry Variant Classification Scheme 2023. Collection method: clinical testing. Allele origin: germline.

Genome-Nilou Lab
Classification: Likely benign for Tuberous sclerosis 2. Last evaluated: 2021-11-07. Review status: criteria provided, single submitter. Criteria: ACMG Guidelines, 2015. Collection method: clinical testing. Allele origin: germline. Affected: no.

NM_000548.5(TSC2):c.2315C>T (p.Ala772Val)

Gene: TSC2 (TSC complex subunit 2; plus strand). Cytogenetic location: 16p13.3.
Variant type: single nucleotide variant.
Coding change: c.2315C>T on transcript NM_000548.5 (MANE Select); coding-DNA position 2315, C replaced by T.
Protein change: p.Ala772Val; replaces alanine 772 with valine.
Molecular consequence: missense variant.
Genome position (GRCh38, 1-based): chr16:2,072,943, C>T. VCF-style: chr16-2072943-C-T. GRCh37 (hg19) VCF-style: chr16-2122944-C-T.
Other names: c.2315C>T (NM_000548.4); c.2315C>T, p.Ala772Val (NM_001077183.3, NM_001114382.3, NM_001363528.2 and 3 more transcripts); c.2204C>T, p.Ala735Val (NM_001318827.2); c.2168C>T, p.Ala723Val (NM_001318829.2); c.1715C>T, p.Ala572Val (NM_001318831.2); c.2348C>T, p.Ala783Val (NM_001318832.2); short protein forms A772V, A572V, A723V, A735V, A783V.
Identifiers: ClinVar variation 467936 (VCV000467936.20), dbSNP rs397514984, ClinGen allele CA038376.
Genomic context (GRCh38, chr16:2,072,943, plus strand): 5'-GCGCCCCAGAAGGCTTCTCCAGAACTGACTTGCACCTGGCCGTGGTTCCAGTGCTGACAG[C>T]ATTAATCTCTTACCATAACTACCTGGACAAAACCAAACAGGTAGGAGGTCAGAGCAGGAC-3'
Protein context (NP_000539.2, residues 762-782): LHLAVVPVLT[Ala772Val]LISYHNYLDK